The following is an entry in ClinVar:

NM_001267550.2(TTN):c.64318A>T (p.Arg21440Ter)

Genes: TTN (titin; minus strand), TTN-AS1 (TTN antisense RNA 1; plus strand). Cytogenetic location: 2q31.2.
Variant type: single nucleotide variant.
Coding change: c.64318A>T on transcript NM_001267550.2 (MANE Select); coding-DNA position 64318, A replaced by T.
Protein change: p.Arg21440Ter; replaces arginine 21440 with a stop codon.
Molecular consequence: nonsense.
Genome position (GRCh38, 1-based): chr2:178,586,583, T>A on the plus strand (A>T on the coding strand, the complement: TTN is on the minus strand). VCF-style: chr2-178586583-T-A. GRCh37 (hg19) VCF-style: chr2-179451310-T-A.
Other names: c.59395A>T, p.Arg19799Ter (NM_001256850.1); c.37123A>T, p.Arg12375Ter (NM_003319.4); c.56614A>T, p.Arg18872Ter (NM_133378.4); c.37498A>T, p.Arg12500Ter (NM_133432.3); c.37699A>T, p.Arg12567Ter (NM_133437.4); short protein forms R19799*, R12375*, R12567*, R18872*, R21440*, R12500*.
Identifiers: ClinVar variation 653706 (VCV000653706.13), dbSNP rs1576014673, ClinGen allele CA349441646.

ClinVar aggregate classification (germline): Likely pathogenic. Review status: criteria provided, multiple submitters, no conflicts (2 of 4 stars). 2 submissions from 2 submitters: Likely pathogenic (2). Last evaluated 2018-12-10.

Conditions:
Primary dilated cardiomyopathy (DCM). Also called: Dilated Cardiomyopathy. Identifiers: Orphanet 217604, MedGen C0007193, MeSH D002311, MONDO:0005021, HP:0001644. Inheritance: Various modes of inheritance.
Autosomal recessive limb-girdle muscular dystrophy type 2J (LGMDR10). Also called: Limb-girdle muscular dystrophy, type 2J; MUSCULAR DYSTROPHY, LIMB-GIRDLE, AUTOSOMAL RECESSIVE 10. Identifiers: Orphanet 140922, MedGen C1837342, MONDO:0012127, OMIM 608807.
Dilated cardiomyopathy 1G (CMD1G). Identifiers: Orphanet 154, MedGen C1858763, MONDO:0011400, OMIM 604145.

Submissions (2):

Labcorp Genetics (formerly Invitae), Labcorp
Classification: Likely pathogenic for Dilated cardiomyopathy 1G; Autosomal recessive limb-girdle muscular dystrophy type 2J. Last evaluated: 2018-12-10. Review status: criteria provided, single submitter. Criteria: Invitae Variant Classification Sherloc (09022015). Collection method: clinical testing. Allele origin: germline.
Comment: In summary, the currently available evidence indicates that the variant is pathogenic, but additional data are needed to prove that conclusively. Therefore, this variant has been classified as Likely Pathogenic. This variant is located in the A band of TTN (PMID: 25589632). Truncating variants in this region are significantly overrepresented in patients affected with dilated cardiomyopathy (PMID: 25589632). Truncating variants in this region have also been reported in individuals affected with autosomal recessive centronuclear myopathy (PMID: 23975875). Experimental studies and prediction algorithms are not available for this variant, and the functional significance of the affected amino acid(s) is currently unknown. This variant has not been reported in the literature in individuals with TTN-related conditions. This variant is not present in population databases (ExAC no frequency). This sequence change results in a premature translational stop signal in the TTN gene (p.Arg21440*). While this is not anticipated to result in nonsense mediated decay, it is expected to create a truncated TTN protein.

Laboratory for Molecular Medicine, Mass General Brigham Personalized Medicine
Classification: Likely pathogenic for Primary dilated cardiomyopathy. Last evaluated: 2018-06-14. Review status: criteria provided, single submitter. Criteria: LMM Criteria. Collection method: clinical testing. Allele origin: germline. Inheritance: Autosomal dominant inheritance. Observed: 1 variant allele.
Comment: The p.Arg18872X variant in TTN has not been previously reported in individuals w ith DCM and was absent from large population studies. This nonsense variant lead s to a premature termination codon at position 18872, which is predicted to lead to a truncated or absent protein. Nonsense and other truncating variants in TTN are strongly associated with DCM if they impact the exons encoding the A-band ( Herman 2012, Pugh 2014) and/or are located in an exon that is highly expressed i n the heart (Roberts 2015). The p.Arg18872X variant is located in A-band in the highly expressed exon 309. In summary, although additional studies are required to fully establish its clinical significance, the p.Arg18872X variant is likely pathogenic. ACMG/AMP criteria applied: PVS1, PM2.

Literature cited by the submitters: PubMed 25589632 (cited by Labcorp Genetics (formerly Invitae), Labcorp); PubMed 23975875 (cited by Labcorp Genetics (formerly Invitae), Labcorp).